The following is an entry in ClinVar:

NM_001164508.2(NEB):c.18862_18872del (p.Val6288fs)

Gene: NEB (nebulin; minus strand). Cytogenetic location: 2q23.3.
Variant type: Deletion.
Coding change: c.18862_18872del on transcript NM_001164508.2 (MANE Select); coding-DNA positions 18862 to 18872, 11 bases deleted (GTCCGAAACGC).
Protein change: p.Val6288fs; shifts the reading frame from valine 6288.
Molecular consequence: frameshift variant.
Genome position (GRCh38, 1-based): chr2:151,562,630-151,562,640, GCGTTTCGGAC deleted on the plus strand (GTCCGAAACGC on the coding strand, the reverse complement: NEB is on the minus strand); deleting any 11 consecutive bases within chr2:151,562,630-151,562,644 gives the same sequence; the c. name uses the placement nearest the transcript's 3' end. VCF-style (leftmost placement, unchanged base first): chr2-151562629-GGCGTTTCGGAC-G. GRCh37 (hg19) VCF-style: chr2-152419143-GGCGTTTCGGAC-G.
Other names: c.18862_18872del, p.Val6288fs (NM_001164507.2, NM_001271208.2); c.13759_13769del, p.Val4587fs (NM_004543.5); short protein forms V6288fs, V4587fs.
Identifiers: ClinVar variation 281369 (VCV000281369.6), dbSNP rs886042141, ClinGen allele CA10603857.

ClinVar aggregate classification (germline): Pathogenic. Review status: criteria provided, multiple submitters, no conflicts (2 of 4 stars). 2 submissions from 2 submitters: Pathogenic (2). Last evaluated 2025-07-27.

Conditions:
Nemaline myopathy 2 (NEM2). Also called: Nemaline myopathy 2, autosomal recessive. Identifiers: MedGen C1850569, MONDO:0009725, OMIM 256030.

Submissions (2):

Labcorp Genetics (formerly Invitae), Labcorp
Classification: Pathogenic for Nemaline myopathy 2. Last evaluated: 2025-07-27. Review status: criteria provided, single submitter. Criteria: Invitae Variant Classification Sherloc (09022015). Collection method: clinical testing. Allele origin: germline.
Comment: This sequence change creates a premature translational stop signal (p.Val6288Profs*6) in the NEB gene. It is expected to result in an absent or disrupted protein product. Loss-of-function variants in NEB are known to be pathogenic (PMID: 25205138). This variant is not present in population databases (gnomAD no frequency). This variant has not been reported in the literature in individuals affected with NEB-related conditions. ClinVar contains an entry for this variant (Variation ID: 281369). Algorithms developed to predict the effect of sequence changes on RNA splicing suggest that this variant may disrupt the consensus splice site. For these reasons, this variant has been classified as Pathogenic.

Eurofins Ntd Llc (ga)
Classification: Pathogenic. Last evaluated: 2015-06-11. Review status: criteria provided, single submitter. Criteria: EGL Classification Definitions 2015. Collection method: clinical testing. Allele origin: germline. Observed: 1 variant allele, 1 heterozygote.

Literature cited by the submitters: PubMed 25205138 (cited by Labcorp Genetics (formerly Invitae), Labcorp).